The following is an entry in ClinVar:

NM_001267550.2(TTN):c.104849C>A (p.Ser34950Ter)

Genes: TTN (titin; minus strand), TTN-AS1 (TTN antisense RNA 1; plus strand). Cytogenetic location: 2q31.2.
Variant type: single nucleotide variant.
Coding change: c.104849C>A on transcript NM_001267550.2 (MANE Select); coding-DNA position 104849, C replaced by A.
Protein change: p.Ser34950Ter; replaces serine 34950 with a stop codon.
Molecular consequence: nonsense.
Genome position (GRCh38, 1-based): chr2:178,531,766, G>T on the plus strand (C>A on the coding strand, the complement: TTN is on the minus strand). VCF-style: chr2-178531766-G-T. GRCh37 (hg19) VCF-style: chr2-179396493-G-T.
Other names: c.99926C>A, p.Ser33309Ter (NM_001256850.1); c.77654C>A, p.Ser25885Ter (NM_003319.4); c.97145C>A, p.Ser32382Ter (NM_133378.4); c.78029C>A, p.Ser26010Ter (NM_133432.3); c.78230C>A, p.Ser26077Ter (NM_133437.4); short protein forms S25885*, S26010*, S26077*, S32382*, S33309*, S34950*.
Identifiers: ClinVar variation 3359145 (VCV003359145.2).

ClinVar aggregate classification (germline): Pathogenic (1 of 4 stars; one submission).

Conditions:
Dilated cardiomyopathy 1G (CMD1G). Identifiers: Orphanet 154, MedGen C1858763, MONDO:0011400, OMIM 604145.

Submission:

Institute of Human Genetics, University of Leipzig Medical Center
Classification: Pathogenic for Dilated cardiomyopathy 1G. Last evaluated: 2024-08-21. Review status: criteria provided, single submitter. Criteria: ACMG Guidelines, 2015. Collection method: clinical testing. Allele origin: unknown. Inheritance: Autosomal dominant inheritance. Affected: yes.
Comment: Criteria applied: PVS1,PM2